The following is an entry in ClinVar:

NM_001851.6(COL9A1):c.2034+19T>C

Gene: COL9A1 (collagen type IX alpha 1 chain; minus strand). Cytogenetic location: 6q13.
Variant type: single nucleotide variant.
Coding change: c.2034+19T>C on transcript NM_001851.6 (MANE Select); 19 bases into the intron after coding-DNA position 2034, T replaced by C.
Molecular consequence: intron variant.
Genome position (GRCh38, 1-based): chr6:70,241,400, A>G on the plus strand (T>C on the coding strand, the complement: COL9A1 is on the minus strand). VCF-style: chr6-70241400-A-G. GRCh37 (hg19) VCF-style: chr6-70951103-A-G.
Other names: c.1305+19T>C (NM_001377290.1, NM_078485.4); c.1335+19T>C (NM_001377289.1).
Identifiers: ClinVar variation 258354 (VCV000258354.21), dbSNP rs13202029, ClinGen allele CA3881908.

ClinVar aggregate classification (germline): Benign. Review status: criteria provided, multiple submitters, no conflicts (2 of 4 stars). 9 submissions from 9 submitters: Benign (7). 2 of the submissions do not count toward it. Last evaluated 2026-05-08.

Conditions:
Epiphyseal dysplasia, multiple, 6. Also called: COL9A1-Related Multiple Epiphyseal Dysplasia. Identifiers: MedGen C2675767, MONDO:0013591, OMIM 614135.

Allele frequency attached by ClinVar (database versions not stated): 1000 Genomes Project 0.07508; 1000 Genomes Project 30x 0.07792; TOPMed 0.14041; ESP Exome Variant Server 0.16000.
gnomAD v4.1: 287,657 of 1,597,660 alleles (18%); highest among the groups gnomAD compares: Non-Finnish European, 21%; 28,676 homozygotes.

Submissions (9):

Women's Health and Genetics/Laboratory Corporation of America, LabCorp
Classification: Benign. Last evaluated: 2026-05-08. Review status: criteria provided, single submitter. Criteria: LabCorp Variant Classification Summary - May 2015. Collection method: clinical testing. Allele origin: germline.

Labcorp Genetics (formerly Invitae), Labcorp
Classification: Benign. Last evaluated: 2026-02-04. Review status: criteria provided, single submitter. Criteria: Invitae Variant Classification Sherloc (09022015). Collection method: clinical testing. Allele origin: germline.

Blueprint Genetics
Classification: Benign. Last evaluated: 2024-11-26. Review status: criteria provided, single submitter. Criteria: ACMG Guidelines, 2015. Collection method: clinical testing. Allele origin: germline.

Genome-Nilou Lab
Classification: Benign for Epiphyseal dysplasia, multiple, 6. Last evaluated: 2021-07-30. Review status: criteria provided, single submitter. Criteria: ACMG Guidelines, 2015. Collection method: clinical testing. Allele origin: germline. Affected: no.

GeneDx
Classification: Benign. Last evaluated: 2016-10-05. Review status: criteria provided, single submitter. Criteria: GeneDx Variant Classification (06012015). Collection method: clinical testing. Allele origin: germline. Affected: yes.
Comment: This variant is considered likely benign or benign based on one or more of the following criteria: it is a conservative change, it occurs at a poorly conserved position in the protein, it is predicted to be benign by multiple in silico algorithms, and/or has population frequency not consistent with disease.

Eurofins Ntd Llc (ga)
Classification: Benign. Last evaluated: 2015-11-18. Review status: criteria provided, single submitter. Criteria: EGL Classification Definitions 2015. Collection method: clinical testing. Allele origin: germline. Observed: 1 variant allele, 1 heterozygote.

PreventionGenetics, part of Exact Sciences
Classification: Benign. Review status: criteria provided, single submitter. Criteria: ACMG Guidelines, 2015. Collection method: clinical testing. Allele origin: germline.

Genome Diagnostics Laboratory, Amsterdam University Medical Center
Classification: Benign. Review status: no assertion criteria provided. Collection method: clinical testing. Allele origin: germline. Affected: yes. Study: VKGL Data-share Consensus. Not counted in ClinVar's aggregate classification.

Joint Genome Diagnostic Labs from Nijmegen and Maastricht, Radboudumc and MUMC+
Classification: Benign. Review status: no assertion criteria provided. Collection method: clinical testing. Allele origin: germline. Affected: yes. Study: VKGL Data-share Consensus. Not counted in ClinVar's aggregate classification.